The following is an entry in ClinVar:

NM_000059.4(BRCA2):c.5183A>T (p.Asp1728Val)

Gene: BRCA2 (BRCA2 DNA repair associated; plus strand). Cytogenetic location: 13q13.1.
Variant type: single nucleotide variant.
Coding change: c.5183A>T on transcript NM_000059.4 (MANE Select); coding-DNA position 5183, A replaced by T.
Protein change: p.Asp1728Val; replaces aspartic acid 1728 with valine.
Molecular consequence: missense variant.
Genome position (GRCh38, 1-based): chr13:32,339,538, A>T. VCF-style: chr13-32339538-A-T. GRCh37 (hg19) VCF-style: chr13-32913675-A-T.
Other names: c.5183A>T, p.Asp1728Val (NM_001406719.1, NM_001406720.1); short protein forms D1728V.
Identifiers: ClinVar variation 1745869 (VCV001745869.4), dbSNP rs2072522598, ClinGen allele CA387784559.
Genomic context (GRCh38, chr13:32,339,538, plus strand): 5'-CAGATTATGTAGGAAATTATTTGTATGAAAATAATTCAAACAGTACTATAGCTGAAAATG[A>T]CAAAAATCATCTCTCCGAAAAACAAGATACTTATTTAAGTAACAGTAGCATGTCTAACAG-3'
Protein context (NP_000050.3, residues 1718-1738): NNSNSTIAEN[Asp1728Val]KNHLSEKQDT

ClinVar aggregate classification (germline): Conflicting classifications of pathogenicity. Review status: criteria provided, conflicting classifications (1 of 4 stars). 2 submissions from 2 submitters: Uncertain significance (1); Likely benign (1). Last evaluated 2023-03-23.

Conditions:
Hereditary cancer-predisposing syndrome. Also called: Hereditary Cancer Syndrome; Neoplastic Syndromes, Hereditary; Tumor predisposition; Hereditary neoplastic syndrome. Identifiers: Orphanet 140162, MedGen C0027672, MeSH D009386, MONDO:0015356.

Submissions (2):

University of Washington Department of Laboratory Medicine, University of Washington
Classification: Likely benign for Hereditary cancer-predisposing syndrome. Last evaluated: 2023-03-23. Review status: criteria provided, single submitter. Criteria: Dines et al. (Genet Med. 2020). Collection method: curation. Allele origin: germline.
Comment: Missense variant in a coldspot region where missense variants are very unlikely to be pathogenic (PMID:31911673).

BRCA2 exon 11 coldspot. Reclassification based on statistical prior probability.

Ambry Genetics
Classification: Uncertain significance for Hereditary cancer-predisposing syndrome. Last evaluated: 2022-09-19. Review status: criteria provided, single submitter. Criteria: Ambry Variant Classification Scheme 2023. Collection method: clinical testing. Allele origin: germline.
Comment: The p.D1728V variant (also known as c.5183A>T), located in coding exon 10 of the BRCA2 gene, results from an A to T substitution at nucleotide position 5183. The aspartic acid at codon 1728 is replaced by valine, an amino acid with highly dissimilar properties. This amino acid position is conserved. In addition, this alteration is predicted to be tolerated by in silico analysis. Since supporting evidence is limited at this time, the clinical significance of this alteration remains unclear.